The following is an entry in ClinVar:

NM_002386.4(MC1R):c.208C>T (p.His70Tyr)

Gene: MC1R (melanocortin 1 receptor; plus strand). Cytogenetic location: 16q24.3.
Variant type: single nucleotide variant.
Coding change: c.208C>T on transcript NM_002386.4 (MANE Select); coding-DNA position 208, C replaced by T.
Protein change: p.His70Tyr; replaces histidine 70 with tyrosine.
Molecular consequence: missense variant.
Genome position (GRCh38, 1-based): chr16:89,919,466, C>T. VCF-style: chr16-89919466-C-T. GRCh37 (hg19) VCF-style: chr16-89985874-C-T.
Other names: short protein forms H70Y.
Identifiers: ClinVar variation 1499143 (VCV001499143.6), dbSNP rs377122753, ClinGen allele CA8255523.

ClinVar aggregate classification (germline): Uncertain significance (1 of 4 stars; one submission).

Conditions:
Melanoma, cutaneous malignant, susceptibility to, 5. Also called: Cutaneous malignant melanoma 5. Identifiers: Orphanet 618, MedGen C2751295, MONDO:0013133, OMIM 613099.

Allele frequency attached by ClinVar (database versions not stated): ExAC 0.00001; gnomAD exomes 0.00001.

Submission:

Labcorp Genetics (formerly Invitae), Labcorp
Classification: Uncertain significance for Melanoma, cutaneous malignant, susceptibility to, 5. Last evaluated: 2026-01-18. Review status: criteria provided, single submitter. Criteria: Invitae Variant Classification Sherloc (09022015). Collection method: clinical testing. Allele origin: germline.
Comment: This sequence change replaces histidine, which is basic and polar, with tyrosine, which is neutral and polar, at codon 70 of the MC1R protein (p.His70Tyr). This variant is present in population databases (rs377122753, gnomAD 0.003%). This variant has not been reported in the literature in individuals affected with MC1R-related conditions. ClinVar contains an entry for this variant (Variation ID: 1499143). Invitae Evidence Modeling of protein sequence and biophysical properties (such as structural, functional, and spatial information, amino acid conservation, physicochemical variation, residue mobility, and thermodynamic stability) indicates that this missense variant is expected to disrupt MC1R protein function with a positive predictive value of 80%. In summary, the available evidence is currently insufficient to determine the role of this variant in disease. Therefore, it has been classified as a Variant of Uncertain Significance.